The following is an entry in ClinVar:

NM_001172509.2(SATB2):c.470A>G (p.Gln157Arg)

Gene: SATB2 (SATB homeobox 2; minus strand). Cytogenetic location: 2q33.1.
Variant type: single nucleotide variant.
Coding change: c.470A>G on transcript NM_001172509.2 (MANE Select); coding-DNA position 470, A replaced by G.
Protein change: p.Gln157Arg; replaces glutamine 157 with arginine.
Molecular consequence: missense variant.
Genome position (GRCh38, 1-based): chr2:199,381,697, T>C on the plus strand (A>G on the coding strand, the complement: SATB2 is on the minus strand). VCF-style: chr2-199381697-T-C. GRCh37 (hg19) VCF-style: chr2-200246420-T-C.
Other names: c.470A>G, p.Gln157Arg (NM_001172517.1, NM_015265.4); short protein forms Q157R.
Identifiers: ClinVar variation 3661444 (VCV003661444.2).

ClinVar aggregate classification (germline): Uncertain significance (1 of 4 stars; one submission).

Conditions:
Chromosome 2q32-q33 deletion syndrome (GLASS). Also called: Glass syndrome; 2q33.1 deletion syndrome. Identifiers: Orphanet 251019, MedGen C2676739, MONDO:0012864, OMIM 612313.

Submission:

Labcorp Genetics (formerly Invitae), Labcorp
Classification: Uncertain significance for Chromosome 2q32-q33 deletion syndrome. Last evaluated: 2024-08-05. Review status: criteria provided, single submitter. Criteria: Invitae Variant Classification Sherloc (09022015). Collection method: clinical testing. Allele origin: germline.
Comment: This sequence change replaces glutamine, which is neutral and polar, with arginine, which is basic and polar, at codon 157 of the SATB2 protein (p.Gln157Arg). This variant is not present in population databases (gnomAD no frequency). This variant has not been reported in the literature in individuals affected with SATB2-related conditions. Advanced modeling of protein sequence and biophysical properties (such as structural, functional, and spatial information, amino acid conservation, physicochemical variation, residue mobility, and thermodynamic stability) performed at Invitae indicates that this missense variant is not expected to disrupt SATB2 protein function with a negative predictive value of 80%. In summary, the available evidence is currently insufficient to determine the role of this variant in disease. Therefore, it has been classified as a Variant of Uncertain Significance.